The following is an entry in ClinVar:

ClinVar aggregate classification (germline): Uncertain significance. Review status: criteria provided, multiple submitters, no conflicts (2 of 4 stars). 3 submissions from 3 submitters: Uncertain significance (3). Last evaluated 2025-05-14.

Conditions:
Hereditary cancer-predisposing syndrome. Also called: Hereditary Cancer Syndrome; Hereditary neoplastic syndrome; Neoplastic Syndromes, Hereditary; Tumor predisposition. Identifiers: Orphanet 140162, MedGen C0027672, MeSH D009386, MONDO:0015356.
Peutz-Jeghers syndrome (PJS). Also called: POLYPOSIS, HAMARTOMATOUS INTESTINAL; POLYPS-AND-SPOTS SYNDROME; Peutz-Jeghers polyposis; Periorificial lentiginosis syndrome. Identifiers: Orphanet 2869, MedGen C0031269, MeSH D010580, MONDO:0008280, OMIM 175200.

Submissions (3):

Ambry Genetics
Classification: Uncertain significance for Hereditary cancer-predisposing syndrome. Last evaluated: 2025-05-14. Review status: criteria provided, single submitter. Criteria: Ambry Variant Classification Scheme 2023. Collection method: clinical testing. Allele origin: germline.
Comment: The p.M51I variant (also known as c.153G>A), located in coding exon 1 of the STK11 gene, results from a G to A substitution at nucleotide position 153. The methionine at codon 51 is replaced by isoleucine, an amino acid with highly similar properties. This amino acid position is highly conserved in available vertebrate species. In addition, the in silico prediction for this alteration is inconclusive. Based on the available evidence, the clinical significance of this variant remains unclear.

Color Diagnostics, LLC DBA Color Health
Classification: Uncertain significance for Hereditary cancer-predisposing syndrome. Last evaluated: 2023-12-05. Review status: criteria provided, single submitter. Criteria: ACMG Guidelines, 2015. Collection method: clinical testing. Allele origin: germline.
Comment: This missense variant replaces methionine with isoleucine at codon 51 of the STK11 protein. Computational prediction suggests that this variant may not impact protein structure and function (internally defined REVEL score threshold <= 0.5, PMID: 27666373). To our knowledge, functional studies have not been reported for this variant. This variant has not been reported in individuals affected with STK11-related disorders in the literature. This variant has not been identified in the general population by the Genome Aggregation Database (gnomAD). The available evidence is insufficient to determine the role of this variant in disease conclusively. Therefore, this variant is classified as a Variant of Uncertain Significance.

Labcorp Genetics (formerly Invitae), Labcorp
Classification: Uncertain significance for Peutz-Jeghers syndrome. Last evaluated: 2023-10-04. Review status: criteria provided, single submitter. Criteria: Invitae Variant Classification Sherloc (09022015). Collection method: clinical testing. Allele origin: germline.
Comment: This sequence change replaces methionine, which is neutral and non-polar, with isoleucine, which is neutral and non-polar, at codon 51 of the STK11 protein (p.Met51Ile). This variant is not present in population databases (gnomAD no frequency). This variant has not been reported in the literature in individuals affected with STK11-related conditions. ClinVar contains an entry for this variant (Variation ID: 922681). Advanced modeling of protein sequence and biophysical properties (such as structural, functional, and spatial information, amino acid conservation, physicochemical variation, residue mobility, and thermodynamic stability) has been performed at Invitae for this missense variant, however the output from this modeling did not meet the statistical confidence thresholds required to predict the impact of this variant on STK11 protein function. In summary, the available evidence is currently insufficient to determine the role of this variant in disease. Therefore, it has been classified as a Variant of Uncertain Significance.

NM_000455.5(STK11):c.153G>A (p.Met51Ile)

Gene: STK11 (serine/threonine kinase 11; plus strand). Cytogenetic location: 19p13.3.
Variant type: single nucleotide variant.
Coding change: c.153G>A on transcript NM_000455.5 (MANE Select); coding-DNA position 153, G replaced by A.
Protein change: p.Met51Ile; replaces methionine 51 with isoleucine.
Molecular consequence: missense variant.
Genome position (GRCh38, 1-based): chr19:1,207,066, G>A. VCF-style: chr19-1207066-G-A. GRCh37 (hg19) VCF-style: chr19-1207065-G-A.
Other names: short protein forms M51I.
Identifiers: ClinVar variation 922681 (VCV000922681.8), dbSNP rs2080671791, ClinGen allele CA402944081.